The following is an entry in ClinVar:

ClinVar aggregate classification (germline): Likely pathogenic (1 of 4 stars; one submission).

Conditions:
Intellectual disability-facial dysmorphism syndrome due to SETD5 haploinsufficiency (MRD23). Also called: Intellectual developmental disorder, autosomal dominant 23. Identifiers: Orphanet 404440, MedGen C3810406, MONDO:0014336, OMIM 615761.

Submission:

Laboratorio de Genetica e Diagnostico Molecular, Hospital Israelita Albert Einstein
Classification: Likely pathogenic for Intellectual disability-facial dysmorphism syndrome due to SETD5 haploinsufficiency. Last evaluated: 2024-11-11. Review status: criteria provided, single submitter. Criteria: ACMG Guidelines, 2015. Collection method: clinical testing. Allele origin: germline. Affected: yes.
Comment: ACMG classification criteria: PVS1 very strong, PM2 supporting

NM_001080517.3(SETD5):c.1937dup (p.Ala647fs)

Gene: SETD5 (SET domain containing 5; plus strand). Cytogenetic location: 3p25.3.
Variant type: Duplication.
Coding change: c.1937dup on transcript NM_001080517.3 (MANE Select); coding-DNA position 1937, one base duplicated (C; older notation c.1937dupC).
Protein change: p.Ala647fs; shifts the reading frame from alanine 647.
Molecular consequence: frameshift variant.
Genome position (GRCh38, 1-based): chr3:9,447,840, C duplicated. VCF-style (leftmost placement, unchanged base first): chr3-9447839-G-GC. GRCh37 (hg19) VCF-style: chr3-9489523-G-GC.
Other names: c.1643dup, p.Ala549fs (NM_001292043.2, NM_001349451.2); c.2033dup, p.Ala679fs (NM_001437633.1); c.1994dup, p.Ala666fs (NM_001437635.1); c.1937dup, p.Ala647fs (NM_001437643.1); c.1976dup, p.Ala660fs (NM_001437701.1); short protein forms A549fs, A647fs, A660fs, A666fs, A679fs.
Identifiers: ClinVar variation 4076162 (VCV004076162.1).
Genomic context (GRCh38, chr3:9,447,839, plus strand): 5'-TCAGCCCAAAGACTAAAGCGTCAGAAGCAGGCCAATGCACAGCAGGCAGAATTGTCACAA[G>GC]CTGCCTTGGAAGAGGGAGGAAGTAACAGTTTAGTAACTCCTACTGAAGCTGGAAGTCTAG-3'